The following is an entry in ClinVar:

ClinVar aggregate classification (germline): Uncertain significance (1 of 4 stars; one submission).

Conditions:
Spermatogenic failure 34. Identifiers: MedGen C4748403, MONDO:0029148, OMIM 618153.

Submission:

Juno Genomics, Hangzhou Juno Genomics, Inc
Classification: Uncertain significance for Spermatogenic failure 34. Review status: criteria provided, single submitter. Criteria: ACMG Guidelines, 2015. Collection method: clinical testing. Allele origin: germline. Affected: yes.
Comment: Absent from controls (or at extremely low frequency if recessive) in Genome Aggregation Database, Exome Sequencing Project, 1000 Genomes Project, or Exome Aggregation Consortium.;For recessive disorders, detected in trans with a pathogenic variant.;Patient's phenotype or family history is highly specific for a disease with a single genetic etiology.;Multiple lines of computational evidence suggest no impact on gene or gene product (conservation, evolutionary, splicing impact, etc).

NM_173651.4(FSIP2):c.11998G>A (p.Val4000Met)

Gene: FSIP2 (fibrous sheath interacting protein 2; plus strand). Cytogenetic location: 2q32.1.
Variant type: single nucleotide variant.
Coding change: c.11998G>A on transcript NM_173651.4 (MANE Select); coding-DNA position 11998, G replaced by A.
Protein change: p.Val4000Met; replaces valine 4000 with methionine.
Molecular consequence: missense variant.
Genome position (GRCh38, 1-based): chr2:185,801,304, G>A. VCF-style: chr2-185801304-G-A. GRCh37 (hg19) VCF-style: chr2-186666031-G-A.
Other names: short protein forms V4000M.
Identifiers: ClinVar variation 3383075 (VCV003383075.2).
Genomic context (GRCh38, chr2:185,801,304, plus strand): 5'-ATTTCAGAATTGTTTTTTAATCTCTCTATGTCATTGTGGGGCAAAAATAAAAACATCACT[G>A]TGTCCTGGCTCAATGAGATGAATACATTATTTGTCAACAATGTAGTGAATGAATTTAATA-3'
Protein context (NP_775922.3, residues 3990-4010): SLWGKNKNIT[Val4000Met]SWLNEMNTLF